The following is an entry in ClinVar:

ClinVar aggregate classification (germline): Uncertain significance (1 of 4 stars; one submission).

Submission:

Labcorp Genetics (formerly Invitae), Labcorp
Classification: Uncertain significance. Last evaluated: 2025-02-10. Review status: criteria provided, single submitter. Criteria: Invitae Variant Classification Sherloc (09022015). Collection method: clinical testing. Allele origin: germline.
Comment: This sequence change replaces glutamine, which is neutral and polar, with arginine, which is basic and polar, at codon 220 of the DIP2C protein (p.Gln220Arg). This variant is not present in population databases (gnomAD no frequency). This variant has not been reported in the literature in individuals affected with DIP2C-related conditions. An algorithm developed to predict the effect of missense changes on protein structure and function (PolyPhen-2) suggests that this variant is likely to be tolerated. In summary, the available evidence is currently insufficient to determine the role of this variant in disease. Therefore, it has been classified as a Variant of Uncertain Significance.

NM_014974.3(DIP2C):c.659A>G (p.Gln220Arg)

Gene: DIP2C (DIP2 acetate--CoA ligase C (putative); minus strand). Cytogenetic location: 10p15.3.
Variant type: single nucleotide variant.
Coding change: c.659A>G on transcript NM_014974.3 (MANE Select); coding-DNA position 659, A replaced by G.
Protein change: p.Gln220Arg; replaces glutamine 220 with arginine.
Molecular consequence: missense variant.
Genome position (GRCh38, 1-based): chr10:419,145, T>C on the plus strand (A>G on the coding strand, the complement: DIP2C is on the minus strand). VCF-style: chr10-419145-T-C. GRCh37 (hg19) VCF-style: chr10-465085-T-C.
Other names: short protein forms Q220R.
Identifiers: ClinVar variation 3726298 (VCV003726298.2).